The following is an entry in ClinVar:

NM_003801.4(GPAA1):c.1693C>T (p.Arg565Trp)

Gene: GPAA1 (glycosylphosphatidylinositol anchor attachment 1; plus strand). Cytogenetic location: 8q24.3.
Variant type: single nucleotide variant.
Coding change: c.1693C>T on transcript NM_003801.4 (MANE Select); coding-DNA position 1693, C replaced by T.
Protein change: p.Arg565Trp; replaces arginine 565 with tryptophan.
Molecular consequence: missense variant.
Genome position (GRCh38, 1-based): chr8:144,085,952, C>T. VCF-style: chr8-144085952-C-T. GRCh37 (hg19) VCF-style: chr8-145140855-C-T.
Other names: c.1693C>T (NM_003801.3); short protein forms R565W.
Identifiers: ClinVar variation 1969158 (VCV001969158.3), dbSNP rs782355767, ClinGen allele CA4933236.

ClinVar aggregate classification (germline): Uncertain significance. Review status: criteria provided, multiple submitters, no conflicts (2 of 4 stars). 2 submissions from 2 submitters: Uncertain significance (2). Last evaluated 2025-08-31.

Conditions:
Inborn genetic diseases. Identifiers: MedGen C0950123, MeSH D030342.

Allele frequency attached by ClinVar (database versions not stated): TOPMed below 0.00001; ExAC 0.00001.
gnomAD v4.1: 18 of 1,607,402 alleles (0.0011%); highest among the groups gnomAD compares: South Asian, 0.0033%; 1 homozygote.

Submissions (2):

Ambry Genetics
Classification: Uncertain significance for Inborn genetic diseases. Last evaluated: 2025-08-31. Review status: criteria provided, single submitter. Criteria: Ambry Variant Classification Scheme 2023. Collection method: clinical testing. Allele origin: germline.

Labcorp Genetics (formerly Invitae), Labcorp
Classification: Uncertain significance. Last evaluated: 2022-05-04. Review status: criteria provided, single submitter. Criteria: Invitae Variant Classification Sherloc (09022015). Collection method: clinical testing. Allele origin: germline.
Comment: This sequence change replaces arginine, which is basic and polar, with tryptophan, which is neutral and slightly polar, at codon 565 of the GPAA1 protein (p.Arg565Trp). This variant is present in population databases (rs782355767, gnomAD 0.007%), including at least one homozygous and/or hemizygous individual. This variant has not been reported in the literature in individuals affected with GPAA1-related conditions. Algorithms developed to predict the effect of missense changes on protein structure and function (SIFT, PolyPhen-2, Align-GVGD) all suggest that this variant is likely to be tolerated. In summary, the available evidence is currently insufficient to determine the role of this variant in disease. Therefore, it has been classified as a Variant of Uncertain Significance.